The following is an entry in ClinVar:

NM_001706.5(BCL6):c.492G>T (p.Glu164Asp)

Genes: BCL6 (BCL6 transcription repressor; minus strand), LOC100131635 (hCG1645011-like; plus strand). Cytogenetic location: 3q27.3.
Variant type: single nucleotide variant.
Coding change: c.492G>T on transcript NM_001706.5 (MANE Select); coding-DNA position 492, G replaced by T.
Protein change: p.Glu164Asp; replaces glutamic acid 164 with aspartic acid.
Molecular consequence: missense variant.
Genome position (GRCh38, 1-based): chr3:187,729,913, C>A on the plus strand (G>T on the coding strand, the complement: BCL6 is on the minus strand). VCF-style: chr3-187729913-C-A. GRCh37 (hg19) VCF-style: chr3-187447701-C-A.
Other names: c.492G>T, p.Glu164Asp (NM_001130845.2, NM_001134738.2); short protein forms E164D.
Identifiers: ClinVar variation 133673 (VCV000133673.1), dbSNP rs61752081, ClinGen allele CA157275.

ClinVar aggregate classification (germline): not provided (0 of 4 stars; one submission).

Allele frequency attached by ClinVar (database versions not stated): 1000 Genomes Project 0.01078; 1000 Genomes Project 30x 0.01187; ExAC 0.02074; gnomAD 0.02287 and 0.02369; gnomAD exomes 0.02946 and 0.02210; TOPMed 0.02351; ESP Exome Variant Server 0.02414.

Submission:

ITMI
No classification provided. Condition: AllHighlyPenetrant. Last evaluated: 2013-09-19. Review status: no classification provided. Collection method: reference population. Allele origin: germline.
Comment: Please see associated publication for description of ethnicities

Literature cited by the submitters: PubMed 24728327.